The following is an entry in ClinVar:

ClinVar aggregate classification (germline): Pathogenic (1 of 4 stars; one submission).

Conditions:
Deficiency of alpha-mannosidase (MANSA). Also called: LYSOSOMAL ALPHA-D-MANNOSIDASE DEFICIENCY; Alpha-Mannosidosis; Mannosidosis, alpha-, types I and II. Identifiers: Orphanet 61, MedGen C0024748, MONDO:0009561, OMIM 248500.

Submission:

Myriad Genetics, Inc.
Classification: Pathogenic for Deficiency of alpha-mannosidase. Last evaluated: 2023-12-15. Review status: criteria provided, single submitter. Criteria: Myriad Autosomal Dominant, Autosomal Recessive and X-Linked Classification Criteria (2023). Collection method: clinical testing. Allele origin: unknown.
Comment: NM_000528.3(MAN2B1):c.1452_1453delAG(G485Lfs*31) is expected to be pathogenic in the context of alpha-mannosidosis. This variant is predicted to lead to an abnormal or absent protein product due to the creation of a premature termination codon in MAN2B1, a gene where loss-of-function variants are known to be pathogenic. Please note: this variant was assessed in the context of healthy population screening.

NM_000528.4(MAN2B1):c.1452_1453del (p.Gly485fs)

Gene: MAN2B1 (mannosidase alpha class 2B member 1; minus strand). Cytogenetic location: 19p13.13.
Variant type: Microsatellite.
Coding change: c.1452_1453del on transcript NM_000528.4 (MANE Select); coding-DNA positions 1452 to 1453, 2 bases deleted (AG; older notation c.1452_1453delAG).
Protein change: p.Gly485fs; shifts the reading frame from glycine 485.
Molecular consequence: frameshift variant.
Genome position (GRCh38, 1-based): chr19:12,657,023-12,657,024, CT deleted on the plus strand (AG on the coding strand, the reverse complement: MAN2B1 is on the minus strand); deleting any 2 consecutive bases within chr19:12,657,023-12,657,026 gives the same sequence; the c. name uses the placement nearest the transcript's 3' end. VCF-style (leftmost placement, unchanged base first): chr19-12657022-CCT-C. GRCh37 (hg19) VCF-style: chr19-12767836-CCT-C.
Other names: c.1449_1450del, p.Gly484fs (NM_001173498.2); c.1455_1456del, p.Gly486fs (NM_001440570.1); short protein forms G484fs, G485fs, G486fs.
Identifiers: ClinVar variation 5012575 (VCV005012575.1).